The following is an entry in ClinVar:

ClinVar aggregate classification (germline): Likely pathogenic (1 of 4 stars; one submission).

Conditions:
Glycogen storage disease, type IV (GSD4). Also called: AMYLOPECTINOSIS; ANDERSEN DISEASE; BRANCHER DEFICIENCY; CIRRHOSIS, FAMILIAL, WITH DEPOSITION OF ABNORMAL GLYCOGEN; GBE1 DEFICIENCY; GLYCOGEN BRANCHING ENZYME DEFICIENCY. Identifiers: Orphanet 367, MedGen C0017923, MONDO:0009292, OMIM 232500.

Submission:

Natera, Inc.
Classification: Likely pathogenic for Glycogen storage disease type IV. Last evaluated: 2024-02-28. Review status: criteria provided, single submitter. Criteria: Natera Variant Classification Schema (03/2026). Collection method: clinical testing. Allele origin: germline.
Comment: The c.1855_1864delGCAGGTCTTC variant in GBE1 is a frameshift variant predicted to shift the reading frame beginning at codon 619 and leads to a stop codon 29 codons downstream. This variant is expected to result in nonsense mediated decay, truncation, or a dysfunctional protein product. This variant is rare in the general population with a frequency below the threshold expected for the associated phenotype(s). Given the available evidence, this variant is classified as Likely Pathogenic.

NM_000158.4(GBE1):c.1855_1864del (p.Ala619fs)

Gene: GBE1 (1,4-alpha-glucan branching enzyme 1; minus strand). Cytogenetic location: 3p12.2.
Variant type: Deletion.
Coding change: c.1855_1864del on transcript NM_000158.4 (MANE Select); coding-DNA positions 1855 to 1864, 10 bases deleted (GCAGGTCTTC; older notation c.1855_1864delGCAGGTCTTC).
Protein change: p.Ala619fs; shifts the reading frame from alanine 619.
Molecular consequence: frameshift variant.
Genome position (GRCh38, 1-based): chr3:81,535,265-81,535,274, GAAGACCTGC deleted on the plus strand (GCAGGTCTTC on the coding strand, the reverse complement: GBE1 is on the minus strand). VCF-style (leftmost placement, unchanged base first): chr3-81535264-AGAAGACCTGC-A. GRCh37 (hg19) VCF-style: chr3-81584415-AGAAGACCTGC-A.
Other names: short protein forms A619fs.
Identifiers: ClinVar variation 4817836 (VCV004817836.1).
Genomic context (GRCh38, chr3:81,535,264, plus strand): 5'-AATGCTGTTCCAACTCGGTAGTCAGTGTAGCTCTTGCTTGGATGGAAGTTGAAAATGAAA[AGAAGACCTGC>A]TCTTTCAAAAGCAATGATCTTATTGCCTTCATGTTTTTCACTCACGTAGGCCTGCAAGAA-3'